The following is an entry in ClinVar:

ClinVar aggregate classification (germline): Uncertain significance (1 of 4 stars; one submission).

Conditions:
Duchenne muscular dystrophy (DMD). Also called: MUSCULAR DYSTROPHY, PSEUDOHYPERTROPHIC PROGRESSIVE, DUCHENNE TYPE; Duchenne Muscular Dystrophy (DMD). Identifiers: Orphanet 98896, MedGen C0013264, MONDO:0010679, OMIM 310200.

Submission:

Labcorp Genetics (formerly Invitae), Labcorp
Classification: Uncertain significance for Duchenne muscular dystrophy. Last evaluated: 2021-08-31. Review status: criteria provided, single submitter. Criteria: Invitae Variant Classification Sherloc (09022015). Collection method: clinical testing. Allele origin: germline.
Comment: This sequence change replaces leucine with phenylalanine at codon 1381 of the DMD protein (p.Leu1381Phe). The leucine residue is highly conserved and there is a small physicochemical difference between leucine and phenylalanine. This variant is not present in population databases (ExAC no frequency). This variant has not been reported in the literature in individuals affected with DMD-related conditions. Algorithms developed to predict the effect of missense changes on protein structure and function are either unavailable or do not agree on the potential impact of this missense change (SIFT: "Tolerated"; PolyPhen-2: "Possibly Damaging"; Align-GVGD: "Class C0"). In summary, the available evidence is currently insufficient to determine the role of this variant in disease. Therefore, it has been classified as a Variant of Uncertain Significance.

NM_004006.3(DMD):c.4143A>T (p.Leu1381Phe)

Gene: DMD (dystrophin; minus strand). Cytogenetic location: Xp21.1.
Variant type: single nucleotide variant.
Coding change: c.4143A>T on transcript NM_004006.3 (MANE Select); coding-DNA position 4143, A replaced by T.
Protein change: p.Leu1381Phe; replaces leucine 1381 with phenylalanine.
Molecular consequence: missense variant.
Genome position (GRCh38, 1-based): chrX:32,411,842, T>A on the plus strand (A>T on the coding strand, the complement: DMD is on the minus strand). VCF-style: chrX-32411842-T-A. GRCh37 (hg19) VCF-style: chrX-32429959-T-A.
Other names: c.4119A>T, p.Leu1373Phe (NM_000109.4); c.4131A>T, p.Leu1377Phe (NM_004009.3); c.3774A>T, p.Leu1258Phe (NM_004010.3); c.120A>T, p.Leu40Phe (NM_004011.4); c.111A>T, p.Leu37Phe (NM_004012.4); short protein forms L1258F, L1373F, L1377F, L1381F, L37F, L40F.
Identifiers: ClinVar variation 1014310 (VCV001014310.6), dbSNP rs2098143108, ClinGen allele CA412666437.